The following is an entry in ClinVar:

NM_177438.3(DICER1):c.1285A>C (p.Lys429Gln)

Gene: DICER1 (dicer 1, ribonuclease III; minus strand). Cytogenetic location: 14q32.13.
Variant type: single nucleotide variant.
Coding change: c.1285A>C on transcript NM_177438.3 (MANE Select); coding-DNA position 1285, A replaced by C.
Protein change: p.Lys429Gln; replaces lysine 429 with glutamine.
Molecular consequence: missense variant.
Genome position (GRCh38, 1-based): chr14:95,124,287, T>G on the plus strand (A>C on the coding strand, the complement: DICER1 is on the minus strand). VCF-style: chr14-95124287-T-G. GRCh37 (hg19) VCF-style: chr14-95590624-T-G.
Other names: c.1285A>C, p.Lys429Gln (NM_001195573.1, NM_001271282.3, NM_001291628.2 and 1 more transcripts); short protein forms K429Q.
Identifiers: ClinVar variation 999755 (VCV000999755.10), dbSNP rs1893193507, ClinGen allele CA390886322.

ClinVar aggregate classification (germline): Uncertain significance (1 of 4 stars; one submission).

Conditions:
DICER1-related tumor predisposition. Also called: DICER1 syndrome; DICER1-related pleuropulmonary blastoma cancer predisposition syndrome. Identifiers: Orphanet 284343, MedGen C3839822, MONDO:0100216.

Submission:

Labcorp Genetics (formerly Invitae), Labcorp
Classification: Uncertain significance for DICER1-related tumor predisposition. Last evaluated: 2020-05-27. Review status: criteria provided, single submitter. Criteria: Invitae Variant Classification Sherloc (09022015). Collection method: clinical testing. Allele origin: germline.
Comment: This variant is not present in population databases (ExAC no frequency). This sequence change replaces lysine with glutamine at codon 429 of the DICER1 protein (p.Lys429Gln). The lysine residue is moderately conserved and there is a small physicochemical difference between lysine and glutamine. This variant has not been reported in the literature in individuals with DICER1-related conditions. In summary, the available evidence is currently insufficient to determine the role of this variant in disease. Therefore, it has been classified as a Variant of Uncertain Significance. Algorithms developed to predict the effect of missense changes on protein structure and function are either unavailable or do not agree on the potential impact of this missense change (SIFT: "Tolerated"; PolyPhen-2: "Possibly Damaging"; Align-GVGD: "Class C0").